The following is an entry in ClinVar:

NM_001367624.2(ZNF469):c.3286_3294del (p.Ser1096_Ser1098del)

Genes: ZNF469 (zinc finger protein 469; plus strand), LOC130059718 (ATAC-STARR-seq lymphoblastoid silent region 7847; plus strand). Cytogenetic location: 16q24.2.
Variant type: Deletion.
Coding change: c.3286_3294del on transcript NM_001367624.2 (MANE Select); coding-DNA positions 3286 to 3294, 9 bases deleted (TCGGAGTCC; older notation c.3286_3294delTCGGAGTCC).
Protein change: p.Ser1096_Ser1098del.
Molecular consequence: inframe deletion.
Genome position (GRCh38, 1-based): chr16:88,430,756-88,430,764, TCGGAGTCC deleted; deleting any 9 consecutive bases within chr16:88,430,754-88,430,764 gives the same sequence; the c. name uses the placement nearest the transcript's 3' end. VCF-style (leftmost placement, unchanged base first): chr16-88430753-GCCTCGGAGT-G. GRCh37 (hg19) VCF-style: chr16-88497161-GCCTCGGAGT-G.
Identifiers: ClinVar variation 2996214 (VCV002996214.3), dbSNP rs986813103, ClinGen allele CA286374714.

ClinVar aggregate classification (germline): Uncertain significance (1 of 4 stars; one submission).

Submission:

Labcorp Genetics (formerly Invitae), Labcorp
Classification: Uncertain significance. Last evaluated: 2025-02-17. Review status: criteria provided, single submitter. Criteria: Invitae Variant Classification Sherloc (09022015). Collection method: clinical testing. Allele origin: germline.
Comment: This variant, c.3202_3210del, results in the deletion of 3 amino acid(s) of the ZNF469 protein (p.Ser1068_Ser1070del), but otherwise preserves the integrity of the reading frame. This variant is not present in population databases (gnomAD no frequency). This variant has not been reported in the literature in individuals affected with ZNF469-related conditions. ClinVar contains an entry for this variant (Variation ID: 2996214). Experimental studies and prediction algorithms are not available or were not evaluated, and the functional significance of this variant is currently unknown. In summary, the available evidence is currently insufficient to determine the role of this variant in disease. Therefore, it has been classified as a Variant of Uncertain Significance.